The following is an entry in ClinVar:

NM_020347.4(LZTFL1):c.724A>G (p.Thr242Ala)

Gene: LZTFL1 (leucine zipper transcription factor like 1; minus strand). Cytogenetic location: 3p21.31.
Variant type: single nucleotide variant.
Coding change: c.724A>G on transcript NM_020347.4 (MANE Select); coding-DNA position 724, A replaced by G.
Protein change: p.Thr242Ala; replaces threonine 242 with alanine.
Molecular consequence: missense variant. On other transcripts: non-coding transcript variant (1).
Genome position (GRCh38, 1-based): chr3:45,828,492, T>C on the plus strand (A>G on the coding strand, the complement: LZTFL1 is on the minus strand). VCF-style: chr3-45828492-T-C. GRCh37 (hg19) VCF-style: chr3-45869984-T-C.
Other names: c.673A>G, p.Thr225Ala (NM_001276378.2, NM_001386451.1); c.712A>G, p.Thr238Ala (NM_001276379.2); c.724A>G, p.Thr242Ala (NM_001386452.1); short protein forms T242A, T238A, T225A.
Identifiers: ClinVar variation 963919 (VCV000963919.5), dbSNP rs751968807, ClinGen allele CA2351872.

ClinVar aggregate classification (germline): Uncertain significance. Review status: criteria provided, single submitter (1 of 4 stars). 2 submissions from 2 submitters: Uncertain significance (1). 1 of the submissions does not count toward it. Last evaluated 2022-10-04.

Conditions:
LZTFL1-related disorder. Also called: LZTFL1-related condition.

Allele frequency attached by ClinVar (database versions not stated): gnomAD exomes 0.00005 and 0.00024; gnomAD 0.00007 and 0.00011; TOPMed 0.00014; ExAC 0.00016.
gnomAD v4.1: 88 of 1,614,222 alleles (0.0055%); highest among the groups gnomAD compares: Admixed American, 0.13%; 1 homozygote.

Submissions (2):

Labcorp Genetics (formerly Invitae), Labcorp
Classification: Uncertain significance. Last evaluated: 2022-10-04. Review status: criteria provided, single submitter. Criteria: Invitae Variant Classification Sherloc (09022015). Collection method: clinical testing. Allele origin: germline.
Comment: This sequence change replaces threonine, which is neutral and polar, with alanine, which is neutral and non-polar, at codon 242 of the LZTFL1 protein (p.Thr242Ala). This variant is present in population databases (rs751968807, gnomAD 0.2%). This variant has not been reported in the literature in individuals affected with LZTFL1-related conditions. ClinVar contains an entry for this variant (Variation ID: 963919). Advanced modeling of protein sequence and biophysical properties (such as structural, functional, and spatial information, amino acid conservation, physicochemical variation, residue mobility, and thermodynamic stability) performed at Invitae indicates that this missense variant is not expected to disrupt LZTFL1 protein function. In summary, the available evidence is currently insufficient to determine the role of this variant in disease. Therefore, it has been classified as a Variant of Uncertain Significance.

PreventionGenetics, part of Exact Sciences
Classification: Likely benign for LZTFL1-related condition. Last evaluated: 2022-02-08. Review status: no assertion criteria provided. Collection method: clinical testing. Allele origin: germline. Not counted in ClinVar's aggregate classification.
Comment: This variant is classified as likely benign based on ACMG/AMP sequence variant interpretation guidelines (Richards et al. 2015 PMID: 25741868, with internal and published modifications).